The following is an entry in ClinVar:

NM_000193.4(SHH):c.602G>A (p.Gly201Asp)

Gene: SHH (sonic hedgehog signaling molecule; minus strand). Cytogenetic location: 7q36.3.
Variant type: single nucleotide variant.
Coding change: c.602G>A on transcript NM_000193.4 (MANE Select); coding-DNA position 602, G replaced by A.
Protein change: p.Gly201Asp; replaces glycine 201 with aspartic acid.
Molecular consequence: missense variant. On other transcripts: intron variant (1).
Genome position (GRCh38, 1-based): chr7:155,803,687, C>T on the plus strand (G>A on the coding strand, the complement: SHH is on the minus strand). VCF-style: chr7-155803687-C-T. GRCh37 (hg19) VCF-style: chr7-155596381-C-T.
Other names: c.301+2609G>A (NM_001310462.2); short protein forms G201D.
Identifiers: ClinVar variation 3775145 (VCV003775145.1).

ClinVar aggregate classification (germline): Likely pathogenic (1 of 4 stars; one submission).

Conditions:
Solitary median maxillary central incisor syndrome. Also called: FUSED INCISORS; SINGLE CENTRAL MAXILLARY INCISOR; Solitary median maxillary central incisor; SMMCI SYNDROME; Single Central Incisor Syndrome. Identifiers: MedGen C1840235, MONDO:0007819, OMIM 147250, HP:0006315.

Submission:

Laboratory of Molecular Genetics, CHU Rennes
Classification: Likely pathogenic for Solitary median maxillary central incisor syndrome. Last evaluated: 2025-02-27. Review status: criteria provided, single submitter. Criteria: ACMG Guidelines, 2015. Collection method: clinical testing. Allele origin: unknown. Inheritance: Autosomal dominant inheritance. Affected: yes.
Comment: The NM_000193.4:c.602G>A, is a missense variant in SHH in the Hint domain (PM1), absent from controls (PM2), predicted pathogenic by prediction tools (PP3). This variant is classified as likely pathogenic for holoprosencephaly (PM1, PM2, PP3, PP4).